The following is an entry in ClinVar:

ClinVar aggregate classification (germline): Uncertain significance. Review status: criteria provided, multiple submitters, no conflicts (2 of 4 stars). 2 submissions from 2 submitters: Uncertain significance (2). Last evaluated 2025-11-02.

Conditions:
Epileptic encephalopathy. Identifiers: MedGen C0543888, HP:0200134.

Allele frequency attached by ClinVar (database versions not stated): gnomAD 0.00003 and 0.00005; ESP Exome Variant Server 0.00008; TOPMed 0.00008.
gnomAD v4.1: 8 of 1,552,544 alleles (0.00052%); highest among the groups gnomAD compares: African/African-American, 0.0041%; no homozygotes.

Submissions (2):

Ambry Genetics
Classification: Uncertain significance. Last evaluated: 2025-11-02. Review status: criteria provided, single submitter. Criteria: Ambry Variant Classification Scheme 2023. Collection method: clinical testing. Allele origin: germline.

Labcorp Genetics (formerly Invitae), Labcorp
Classification: Uncertain significance for Epileptic encephalopathy. Last evaluated: 2023-12-18. Review status: criteria provided, single submitter. Criteria: Invitae Variant Classification Sherloc (09022015). Collection method: clinical testing. Allele origin: germline.
Comment: This sequence change replaces serine, which is neutral and polar, with arginine, which is basic and polar, at codon 1477 of the RYR3 protein (p.Ser1477Arg). This variant is present in population databases (rs377360254, gnomAD 0.006%). This variant has not been reported in the literature in individuals affected with RYR3-related conditions. ClinVar contains an entry for this variant (Variation ID: 530984). Advanced modeling of protein sequence and biophysical properties (such as structural, functional, and spatial information, amino acid conservation, physicochemical variation, residue mobility, and thermodynamic stability) performed at Invitae indicates that this missense variant is expected to disrupt RYR3 protein function with a positive predictive value of 80%. In summary, the available evidence is currently insufficient to determine the role of this variant in disease. Therefore, it has been classified as a Variant of Uncertain Significance.

NM_001036.6(RYR3):c.4431T>G (p.Ser1477Arg)

Gene: RYR3 (ryanodine receptor 3; plus strand). Cytogenetic location: 15q14.
Variant type: single nucleotide variant.
Coding change: c.4431T>G on transcript NM_001036.6 (MANE Select); coding-DNA position 4431, T replaced by G.
Protein change: p.Ser1477Arg; replaces serine 1477 with arginine.
Molecular consequence: missense variant.
Genome position (GRCh38, 1-based): chr15:33,660,232, T>G. VCF-style: chr15-33660232-T-G. GRCh37 (hg19) VCF-style: chr15-33952433-T-G.
Other names: c.4431T>G (NM_001036.3); c.4431T>G, p.Ser1477Arg (NM_001243996.4); short protein forms S1477R.
Identifiers: ClinVar variation 530984 (VCV000530984.13), dbSNP rs377360254, ClinGen allele CA268542215.